The following is an entry in ClinVar:

NM_001365999.1(SZT2):c.1888G>C (p.Val630Leu)

Gene: SZT2 (SZT2 subunit of KICSTOR complex; plus strand). Cytogenetic location: 1p34.2.
Variant type: single nucleotide variant.
Coding change: c.1888G>C on transcript NM_001365999.1 (MANE Select); coding-DNA position 1888, G replaced by C.
Protein change: p.Val630Leu; replaces valine 630 with leucine.
Molecular consequence: missense variant.
Genome position (GRCh38, 1-based): chr1:43,422,598, G>C. VCF-style: chr1-43422598-G-C. GRCh37 (hg19) VCF-style: chr1-43888269-G-C.
Other names: c.1888G>C, p.Val630Leu (NM_015284.4); short protein forms V630L.
Identifiers: ClinVar variation 1037604 (VCV001037604.8), dbSNP rs1652505155, ClinGen allele CA340010309.

ClinVar aggregate classification (germline): Uncertain significance (1 of 4 stars; one submission).

Submission:

Labcorp Genetics (formerly Invitae), Labcorp
Classification: Uncertain significance. Last evaluated: 2022-03-19. Review status: criteria provided, single submitter. Criteria: Invitae Variant Classification Sherloc (09022015). Collection method: clinical testing. Allele origin: germline.
Comment: This variant is not present in population databases (gnomAD no frequency). This sequence change replaces valine, which is neutral and non-polar, with leucine, which is neutral and non-polar, at codon 630 of the SZT2 protein (p.Val630Leu). This variant has not been reported in the literature in individuals affected with SZT2-related conditions. ClinVar contains an entry for this variant (Variation ID: 1037604). Algorithms developed to predict the effect of missense changes on protein structure and function are either unavailable or do not agree on the potential impact of this missense change (SIFT: "Deleterious"; PolyPhen-2: "Benign"; Align-GVGD: "Class C0"). In summary, the available evidence is currently insufficient to determine the role of this variant in disease. Therefore, it has been classified as a Variant of Uncertain Significance.